The following is an entry in ClinVar:

ClinVar aggregate classification (germline): Uncertain significance (1 of 4 stars; one submission).

Conditions:
Multiple congenital anomalies-hypotonia-seizures syndrome 1 (MCAHS1). Also called: Congenital disorder of glycosylation due to PIGN deficiency; GLYCOSYLPHOSPHATIDYLINOSITOL BIOSYNTHESIS DEFECT 3; PIGN-CDG. Identifiers: Orphanet 280633, MedGen C3279775, MONDO:0013563, OMIM 614080.

Submission:

Labcorp Genetics (formerly Invitae), Labcorp
Classification: Uncertain significance for Multiple congenital anomalies-hypotonia-seizures syndrome 1. Last evaluated: 2025-05-11. Review status: criteria provided, single submitter. Criteria: Invitae Variant Classification Sherloc (09022015). Collection method: clinical testing. Allele origin: germline.
Comment: This variant, c.2632_2637del, results in the deletion of 2 amino acid(s) of the PIGN protein (p.Leu878_Val879del), but otherwise preserves the integrity of the reading frame. This variant is not present in population databases (gnomAD no frequency). This variant has not been reported in the literature in individuals affected with PIGN-related conditions. Experimental studies and prediction algorithms are not available or were not evaluated, and the functional significance of this variant is currently unknown. In summary, the available evidence is currently insufficient to determine the role of this variant in disease. Therefore, it has been classified as a Variant of Uncertain Significance.

NM_176787.5(PIGN):c.2632_2637del (p.Leu878_Val879del)

Gene: PIGN (phosphatidylinositol glycan anchor biosynthesis class N; minus strand). Cytogenetic location: 18q21.33.
Variant type: Deletion.
Coding change: c.2632_2637del on transcript NM_176787.5 (MANE Select); coding-DNA positions 2632 to 2637, 6 bases deleted (TTGGTC; older notation c.2632_2637delTTGGTC).
Protein change: p.Leu878_Val879del.
Genome position (GRCh38, 1-based): chr18:62,072,708-62,072,713, GACCAA deleted on the plus strand (TTGGTC on the coding strand, the reverse complement: PIGN is on the minus strand); deleting any 6 consecutive bases within chr18:62,072,708-62,072,715 gives the same sequence; the c. name uses the placement nearest the transcript's 3' end. VCF-style (leftmost placement, unchanged base first): chr18-62072707-TGACCAA-T. GRCh37 (hg19) VCF-style: chr18-59739940-TGACCAA-T.
Other names: c.2632_2637del, p.Leu878_Val879del (NM_001438896.1, NM_001438904.1, NM_001438905.1 and 1 more transcripts); c.2230_2235del, p.Leu744_Val745del (NM_001438910.1).
Identifiers: ClinVar variation 4772884 (VCV004772884.1).